The following is an entry in ClinVar:

NM_020829.4(RIC1):c.845G>T (p.Ser282Ile)

Gene: RIC1 (RIC1 homolog, RAB6A GEF complex partner 1; plus strand). Cytogenetic location: 9p24.1.
Variant type: single nucleotide variant.
Coding change: c.845G>T on transcript NM_020829.4 (MANE Select); coding-DNA position 845, G replaced by T.
Protein change: p.Ser282Ile; replaces serine 282 with isoleucine.
Molecular consequence: missense variant.
Genome position (GRCh38, 1-based): chr9:5,738,482, G>T. VCF-style: chr9-5738482-G-T. GRCh37 (hg19) VCF-style: chr9-5738482-G-T.
Other names: c.845G>T, p.Ser282Ile (NM_001135920.4, NM_001206557.2); short protein forms S282I.
Identifiers: ClinVar variation 3338543 (VCV003338543.1).
Genomic context (GRCh38, chr9:5,738,482, plus strand): 5'-TAAAAGTTTTTCGTTGTTGTTTTCACAGTGGTTCTGTGCAGGTCTATACAATAGATAACA[G>T]CACTGGAGCCATGCTGCTATCTCATAAATTAGAGCTAACAGCAAAACAGTATCCTGGTGA-3'
Protein context (NP_065880.2, residues 272-292): GSVQVYTIDN[Ser282Ile]TGAMLLSHKL

ClinVar aggregate classification (germline): Uncertain significance (1 of 4 stars; one submission).

Submission:

Greenwood Genetic Center Diagnostic Laboratories, Greenwood Genetic Center
Classification: Uncertain significance. Last evaluated: 2024-06-03. Review status: criteria provided, single submitter. Criteria: ACMG Guidelines, 2015. Collection method: clinical testing. Allele origin: germline. Affected: yes.
Comment: PM2